The following is an entry in ClinVar:

ClinVar aggregate classification (germline): Uncertain significance. Review status: criteria provided, multiple submitters, no conflicts (2 of 4 stars). 2 submissions from 2 submitters: Uncertain significance (2). Last evaluated 2025-12-04.

Conditions:
Cardiovascular phenotype. Identifiers: MedGen CN230736.

Submissions (2):

Ambry Genetics
Classification: Uncertain significance for Cardiovascular phenotype. Last evaluated: 2025-12-04. Review status: criteria provided, single submitter. Criteria: Ambry Variant Classification Scheme 2023. Collection method: clinical testing. Allele origin: germline.
Comment: The p.M126V variant (also known as c.376A>G), located in coding exon 4 of the APOB gene, results from an A to G substitution at nucleotide position 376. The methionine at codon 126 is replaced by valine, an amino acid with highly similar properties. This amino acid position is highly conserved in available vertebrate species. In addition, this alteration is predicted to be tolerated by in silico analysis. Based on the available evidence, the clinical significance of this variant remains unclear.

GeneDx
Classification: Uncertain significance. Last evaluated: 2024-12-26. Review status: criteria provided, single submitter. Criteria: GeneDx Variant Classification Process June 2021. Collection method: clinical testing. Allele origin: germline. Affected: yes.
Comment: Not observed at significant frequency in large population cohorts (gnomAD); In silico analysis supports that this missense variant has a deleterious effect on protein structure/function; Has not been previously published as pathogenic or benign to our knowledge

NM_000384.3(APOB):c.376A>G (p.Met126Val)

Gene: APOB (apolipoprotein B; minus strand). Cytogenetic location: 2p24.1.
Variant type: single nucleotide variant.
Coding change: c.376A>G on transcript NM_000384.3 (MANE Select); coding-DNA position 376, A replaced by G.
Protein change: p.Met126Val; replaces methionine 126 with valine.
Molecular consequence: missense variant.
Genome position (GRCh38, 1-based): chr2:21,040,945, T>C on the plus strand (A>G on the coding strand, the complement: APOB is on the minus strand). VCF-style: chr2-21040945-T-C. GRCh37 (hg19) VCF-style: chr2-21263817-T-C.
Other names: short protein forms M126V.
Identifiers: ClinVar variation 3907779 (VCV003907779.2).